The following is an entry in ClinVar:

NM_022367.4(SEMA4A):c.974C>T (p.Thr325Ile)

Gene: SEMA4A (semaphorin 4A; plus strand). Cytogenetic location: 1q22.
Variant type: single nucleotide variant.
Coding change: c.974C>T on transcript NM_022367.4 (MANE Select); coding-DNA position 974, C replaced by T.
Protein change: p.Thr325Ile; replaces threonine 325 with isoleucine.
Molecular consequence: missense variant.
Genome position (GRCh38, 1-based): chr1:156,161,509, C>T. VCF-style: chr1-156161509-C-T. GRCh37 (hg19) VCF-style: chr1-156131300-C-T.
Other names: c.974C>T, p.Thr325Ile (NM_001193300.2, NM_001193301.2, NM_001370567.1); c.578C>T, p.Thr193Ile (NM_001193302.2); c.677C>T, p.Thr226Ile (NM_001370568.1); c.467C>T, p.Thr156Ile (NM_001370569.1, NM_001370571.1); short protein forms T226I, T156I, T193I, T325I.
Identifiers: ClinVar variation 2798236 (VCV002798236.3), dbSNP rs561696552, ClinGen allele CA1155223.
Genomic context (GRCh38, chr1:156,161,509, plus strand): 5'-GCCACGCGGTCCTGCTCCCCGCCGATTCTCCCACAGCTCCCCACATCTACGCAGTCTTCA[C>T]CTCCCAGTGGTGAGCAGCAGGGCTGGACCATGGGGGCTGGACACGGGACTTGACGCCAGT-3'
Protein context (NP_071762.2, residues 315-335): PTAPHIYAVF[Thr325Ile]SQWQVGGTRS

ClinVar aggregate classification (germline): Uncertain significance (1 of 4 stars; one submission).

Allele frequency attached by ClinVar (database versions not stated): gnomAD 0.00001; gnomAD exomes 0.00002; ExAC 0.00004; 1000 Genomes Project 0.00040; 1000 Genomes Project 30x 0.00047.

Submission:

Labcorp Genetics (formerly Invitae), Labcorp
Classification: Uncertain significance. Last evaluated: 2023-05-23. Review status: criteria provided, single submitter. Criteria: Invitae Variant Classification Sherloc (09022015). Collection method: clinical testing. Allele origin: germline.
Comment: This variant is present in population databases (rs561696552, gnomAD 0.03%). This sequence change replaces threonine, which is neutral and polar, with isoleucine, which is neutral and non-polar, at codon 325 of the SEMA4A protein (p.Thr325Ile). This variant has not been reported in the literature in individuals affected with SEMA4A-related conditions. In summary, the available evidence is currently insufficient to determine the role of this variant in disease. Therefore, it has been classified as a Variant of Uncertain Significance. Advanced modeling of protein sequence and biophysical properties (such as structural, functional, and spatial information, amino acid conservation, physicochemical variation, residue mobility, and thermodynamic stability) performed at Invitae indicates that this missense variant is not expected to disrupt SEMA4A protein function.